The following is an entry in ClinVar:

ClinVar aggregate classification (germline): Likely benign (1 of 4 stars; one submission).

Submission:

CeGaT Center for Human Genetics Tuebingen
Classification: Likely benign. Last evaluated: 2026-06-01. Review status: criteria provided, single submitter. Criteria: CeGaT Center For Human Genetics Tuebingen Variant Classification Criteria Version 2. Collection method: clinical testing. Allele origin: germline. Affected: yes. Observed: 1 variant allele.
Comment: IMPA1: BP4, BS2

NM_005536.4(IMPA1):c.503C>T (p.Thr168Ile)

Gene: IMPA1 (inositol monophosphatase 1; minus strand). Cytogenetic location: 8q21.13.
Variant type: single nucleotide variant.
Coding change: c.503C>T on transcript NM_005536.4 (MANE Select); coding-DNA position 503, C replaced by T.
Protein change: p.Thr168Ile; replaces threonine 168 with isoleucine.
Molecular consequence: missense variant. On other transcripts: intron variant (1).
Genome position (GRCh38, 1-based): chr8:81,671,002, G>A on the plus strand (C>T on the coding strand, the complement: IMPA1 is on the minus strand). VCF-style: chr8-81671002-G-A. GRCh37 (hg19) VCF-style: chr8-82583237-G-A.
Other names: c.680C>T, p.Thr227Ile (NM_001144878.2); c.457+2839C>T (NM_001144879.2); short protein forms T168I, T227I.
Identifiers: ClinVar variation 4872083 (VCV004872083.2).